The following is an entry in ClinVar:

NM_005159.5(ACTC1):c.793C>G (p.Gln265Glu)

Genes: ACTC1 (actin alpha cardiac muscle 1; minus strand), GJD2-DT (GJD2 divergent transcript; plus strand). Cytogenetic location: 15q14.
Variant type: single nucleotide variant.
Coding change: c.793C>G on transcript NM_005159.5 (MANE Select); coding-DNA position 793, C replaced by G.
Protein change: p.Gln265Glu; replaces glutamine 265 with glutamic acid.
Molecular consequence: missense variant.
Genome position (GRCh38, 1-based): chr15:34,792,105, G>C on the plus strand (C>G on the coding strand, the complement: ACTC1 is on the minus strand). VCF-style: chr15-34792105-G-C. GRCh37 (hg19) VCF-style: chr15-35084306-G-C.
Other names: short protein forms Q265E.
Identifiers: ClinVar variation 177786 (VCV000177786.25), dbSNP rs727504323, ClinGen allele CA019918.
Genomic context (GRCh38, chr15:34,792,105, plus strand): 5'-ATTTCCAGGGAAAATCGTGCCTCTGCACCAGACCCTACAACTCACCAATGAAGGAGGGCT[G>C]GAAGAGTGTCTCAGGACAGCGGAAGCGCTCATTGCCAATAGTGATGACTTGGCCATCAGG-3'
Protein context (NP_005150.1, residues 255-275): ERFRCPETLF[Gln265Glu]PSFIGMESAG

ClinVar aggregate classification (germline): Conflicting classifications of pathogenicity. Review status: criteria provided, conflicting classifications (1 of 4 stars). 4 submissions from 4 submitters: Likely pathogenic (2); Uncertain significance (2). Last evaluated 2025-12-15.

Conditions:
Cardiovascular phenotype. Identifiers: MedGen CN230736.
Atrial septal defect 5 (ASD5). Identifiers: Orphanet 1478, MedGen C2748552, MONDO:0013011, OMIM 612794.
Dilated cardiomyopathy 1R (CMD1R). Identifiers: Orphanet 154, Orphanet 54260, MedGen C3150681, MONDO:0013261, OMIM 613424.
Hypertrophic cardiomyopathy 11. Also called: ACTC1-Related Familial Hypertrophic Cardiomyopathy. Identifiers: MedGen C2677506, MONDO:0012799, OMIM 612098.
Hypertrophic cardiomyopathy. Also called: HYPERTROPHIC MYOCARDIOPATHY. Identifiers: Orphanet 217569, MedGen C0007194, MeSH D002312, MONDO:0005045, HP:0001639.

Submissions (4):

Labcorp Genetics (formerly Invitae), Labcorp
Classification: Uncertain significance for Dilated cardiomyopathy 1R; Hypertrophic cardiomyopathy 11; Atrial septal defect 5. Last evaluated: 2025-12-15. Review status: criteria provided, single submitter. Criteria: Invitae Variant Classification Sherloc (09022015). Collection method: clinical testing. Allele origin: germline.
Comment: This sequence change replaces glutamine, which is neutral and polar, with glutamic acid, which is acidic and polar, at codon 265 of the ACTC1 protein (p.Gln265Glu). This variant is not present in population databases (gnomAD no frequency). This missense change has been observed in individual(s) with hypertrophic cardiomyopathy (PMID: 27532257, 37652022; internal data). ClinVar contains an entry for this variant (Variation ID: 177786). Invitae Evidence Modeling of protein sequence and biophysical properties (such as structural, functional, and spatial information, amino acid conservation, physicochemical variation, residue mobility, and thermodynamic stability) indicates that this missense variant is not expected to disrupt ACTC1 protein function with a negative predictive value of 80%. In summary, the available evidence is currently insufficient to determine the role of this variant in disease. Therefore, it has been classified as a Variant of Uncertain Significance.

Ambry Genetics
Classification: Uncertain significance for Cardiovascular phenotype. Last evaluated: 2025-09-09. Review status: criteria provided, single submitter. Criteria: Ambry Variant Classification Scheme 2023. Collection method: clinical testing. Allele origin: germline.
Comment: The p.Q265E variant (also known as c.793C>G), located in coding exon 4 of the ACTC1 gene, results from a C to G substitution at nucleotide position 793. The glutamine at codon 265 is replaced by glutamic acid, an amino acid with highly similar properties. This variant was reported in individual(s) with features consistent with hypertrophic cardiomyopathy (Alfares AA et al. Genet Med, 2015 Nov;17:880-8; Walsh R et al. Genet Med, 2017 Feb;19:192-203; McGurk KA et al. Am J Hum Genet, 2023 Sep;110:1482-1495; Ambry internal data). This amino acid position is highly conserved in available vertebrate species. In addition, this alteration is predicted to be deleterious by in silico analysis. Based on the available evidence, the clinical significance of this variant remains unclear.

Mayo Clinic Laboratories, Mayo Clinic
Classification: Likely pathogenic. Last evaluated: 2020-02-21. Review status: criteria provided, single submitter. Criteria: ACMG Guidelines, 2015. Collection method: clinical testing. Allele origin: germline. Observed: 1 variant allele.
Comment: PP1_Strong, PM2, PP2

Laboratory for Molecular Medicine, Mass General Brigham Personalized Medicine
Classification: Likely pathogenic for Hypertrophic cardiomyopathy. Last evaluated: 2018-11-21. Review status: criteria provided, single submitter. Criteria: LMM Criteria. Collection method: clinical testing. Allele origin: germline. Inheritance: Autosomal dominant inheritance. Observed: 6 variant alleles.
Comment: The p.Gln265Glu variant in ACTC1 has been identified in 4 individuals with hyper trophic cardiomyopathy (HCM) and segregated with disease in 7 affected relatives (including 1 obligate carrier) from 3 families (LMM data, GeneDx pers. comm., A mbry pers. comm.). This variant has also been reported by other clinical laborat ories in ClinVar (Variation ID 177786) and was absent from large population stud ies. Computational prediction tools and conservation analysis do not provide str ong support for or against an impact to the protein. In summary, although additi onal studies are required to fully establish its clinical significance, this var iant meets criteria to be classified as likely pathogenic for autosomal dominant HCM. ACMG/AMP Criteria applied: PP1_Strong, PM2, PS4_Supporting.

Literature cited by the submitters: PubMed 27532257 (cited by 4 submitters); PubMed 37652022 (cited by Labcorp Genetics (formerly Invitae), Labcorp and Ambry Genetics); PubMed 25611685 (cited by Ambry Genetics).